The following is an entry in ClinVar:

ClinVar aggregate classification (germline): Uncertain significance (1 of 4 stars; one submission).

Submission:

Labcorp Genetics (formerly Invitae), Labcorp
Classification: Uncertain significance. Last evaluated: 2025-05-22. Review status: criteria provided, single submitter. Criteria: Invitae Variant Classification Sherloc (09022015). Collection method: clinical testing. Allele origin: germline.
Comment: This sequence change replaces valine, which is neutral and non-polar, with leucine, which is neutral and non-polar, at codon 14 of the CD151 protein (p.Val14Leu). This variant is not present in population databases (gnomAD no frequency). This variant has not been reported in the literature in individuals affected with CD151-related conditions. ClinVar contains an entry for this variant (Variation ID: 2902002). An algorithm developed to predict the effect of missense changes on protein structure and function (PolyPhen-2) suggests that this variant is likely to be tolerated. In summary, the available evidence is currently insufficient to determine the role of this variant in disease. Therefore, it has been classified as a Variant of Uncertain Significance.

NM_004357.5(CD151):c.40G>C (p.Val14Leu)

Gene: CD151 (CD151 molecule (Raph blood group); plus strand). Cytogenetic location: 11p15.5.
Variant type: single nucleotide variant.
Coding change: c.40G>C on transcript NM_004357.5 (MANE Select); coding-DNA position 40, G replaced by C.
Protein change: p.Val14Leu; replaces valine 14 with leucine.
Molecular consequence: missense variant.
Genome position (GRCh38, 1-based): chr11:836,109, G>C. VCF-style: chr11-836109-G-C. GRCh37 (hg19) VCF-style: chr11-836109-G-C.
Other names: c.40G>C, p.Val14Leu (NM_001039490.2, NM_139029.2, NM_139030.4); short protein forms V14L.
Identifiers: ClinVar variation 2902002 (VCV002902002.3), dbSNP rs753428268, ClinGen allele CA378992731.